The following is an entry in ClinVar:

ClinVar aggregate classification (germline): Pathogenic/Likely pathogenic. Review status: criteria provided, multiple submitters, no conflicts (2 of 4 stars). 3 submissions from 3 submitters: Pathogenic (2); Likely pathogenic (1). Last evaluated 2024-07-23.

Conditions:
Inborn genetic diseases. Identifiers: MedGen C0950123, MeSH D030342.

gnomAD v4.1: 5 of 1,613,910 alleles (0.00031%); highest among the groups gnomAD compares: South Asian, 0.0022%; no homozygotes.

Submissions (3):

Ambry Genetics
Classification: Pathogenic for Inborn genetic diseases. Last evaluated: 2024-07-23. Review status: criteria provided, single submitter. Criteria: Ambry Variant Classification Scheme 2023. Collection method: clinical testing. Allele origin: germline.
Comment: The c.3751C>T (p.R1251*) alteration, located in exon 28 (coding exon 26) of the MYH3 gene, consists of a C to T substitution at nucleotide position 3751. This changes the amino acid from an arginine (R) to a stop codon at amino acid position 1251. This alteration is expected to result in loss of function by premature protein truncation or nonsense-mediated mRNA decay. for autosomal recessive contractures, pterygia, and spondylocarpotarsal fusion syndrome; however, its clinical significance for autosomal dominant MYH3-related arthrogryposis is uncertain. This variant was not reported in population-based cohorts in the Genome Aggregation Database (gnomAD). Based on the available evidence, this alteration is classified as pathogenic.

Labcorp Genetics (formerly Invitae), Labcorp
Classification: Pathogenic. Last evaluated: 2024-03-27. Review status: criteria provided, single submitter. Criteria: Invitae Variant Classification Sherloc (09022015). Collection method: clinical testing. Allele origin: germline.
Comment: This sequence change creates a premature translational stop signal (p.Arg1251*) in the MYH3 gene. It is expected to result in an absent or disrupted protein product. Loss-of-function variants in MYH3 are known to be pathogenic (PMID: 29805041, 30008475). This variant is not present in population databases (gnomAD no frequency). This variant has not been reported in the literature in individuals affected with MYH3-related conditions. ClinVar contains an entry for this variant (Variation ID: 1963471). For these reasons, this variant has been classified as Pathogenic.

Revvity Omics, Revvity
Classification: Likely pathogenic. Last evaluated: 2023-12-04. Review status: criteria provided, single submitter. Criteria: ACMG Guidelines, 2015. Collection method: clinical testing. Allele origin: germline.

Literature cited by the submitters: PubMed 29805041 (cited by Labcorp Genetics (formerly Invitae), Labcorp); PubMed 30008475 (cited by Labcorp Genetics (formerly Invitae), Labcorp).

NM_002470.4(MYH3):c.3751C>T (p.Arg1251Ter)

Gene: MYH3 (myosin heavy chain 3; minus strand). Cytogenetic location: 17p13.1.
Variant type: single nucleotide variant.
Coding change: c.3751C>T on transcript NM_002470.4 (MANE Select); coding-DNA position 3751, C replaced by T.
Protein change: p.Arg1251Ter; replaces arginine 1251 with a stop codon.
Molecular consequence: nonsense.
Genome position (GRCh38, 1-based): chr17:10,637,914, G>A on the plus strand (C>T on the coding strand, the complement: MYH3 is on the minus strand). VCF-style: chr17-10637914-G-A. GRCh37 (hg19) VCF-style: chr17-10541231-G-A.
Other names: short protein forms R1251*.
Identifiers: ClinVar variation 1963471 (VCV001963471.8), dbSNP rs1449708494, ClinGen allele CA398150050.